The following is an entry in ClinVar:

ClinVar aggregate classification (germline): Uncertain significance. Review status: criteria provided, multiple submitters, no conflicts (2 of 4 stars). 2 submissions from 2 submitters: Uncertain significance (2). Last evaluated 2023-12-22.

Allele frequency attached by ClinVar (database versions not stated): gnomAD 0.00001; gnomAD exomes 0.00001 and 0.00002; TOPMed 0.00001; ExAC 0.00006.
gnomAD v4.1: 10 of 1,611,406 alleles (0.00062%); highest among the groups gnomAD compares: Non-Finnish European, 0.00076%; no homozygotes.

Submissions (2):

Blueprint Genetics
Classification: Uncertain significance. Last evaluated: 2023-12-22. Review status: criteria provided, single submitter. Criteria: ACMG Guidelines, 2015. Collection method: clinical testing. Allele origin: germline.

Labcorp Genetics (formerly Invitae), Labcorp
Classification: Uncertain significance. Last evaluated: 2020-02-26. Review status: criteria provided, single submitter. Criteria: Invitae Variant Classification Sherloc (09022015). Collection method: clinical testing. Allele origin: germline.
Comment: In summary, the available evidence is currently insufficient to determine the role of this variant in disease. Therefore, it has been classified as a Variant of Uncertain Significance. This variant has been reported to affect ABHD12 protein function (PMID: 27890673). This variant has been observed in individual(s) with ABDH12-related conditions (PMID: 27890673). This variant is present in population databases (rs772987424, ExAC 0.01%). This sequence change replaces threonine with arginine at codon 253 of the ABHD12 protein (p.Thr253Arg). The threonine residue is highly conserved and there is a moderate physicochemical difference between threonine and arginine.

Literature cited by the submitters: PubMed 27890673 (cited by Labcorp Genetics (formerly Invitae), Labcorp).

NM_001042472.3(ABHD12):c.758C>G (p.Thr253Arg)

Gene: ABHD12 (abhydrolase domain containing 12, lysophospholipase; minus strand). Cytogenetic location: 20p11.21.
Variant type: single nucleotide variant.
Coding change: c.758C>G on transcript NM_001042472.3 (MANE Select); coding-DNA position 758, C replaced by G.
Protein change: p.Thr253Arg; replaces threonine 253 with arginine.
Molecular consequence: missense variant.
Genome position (GRCh38, 1-based): chr20:25,308,486, G>C on the plus strand (C>G on the coding strand, the complement: ABHD12 is on the minus strand). VCF-style: chr20-25308486-G-C. GRCh37 (hg19) VCF-style: chr20-25289122-G-C.
Other names: c.758C>G, p.Thr253Arg (NM_015600.5); short protein forms T253R.
Identifiers: ClinVar variation 1045808 (VCV001045808.9), dbSNP rs772987424, ClinGen allele CA9796010.